The following is an entry in ClinVar:

ClinVar aggregate classification (germline): Uncertain significance. Review status: criteria provided, multiple submitters, no conflicts (2 of 4 stars). 2 submissions from 2 submitters: Uncertain significance (2). Last evaluated 2021-04-08.

Conditions:
Autosomal recessive nonsyndromic hearing loss 36. Also called: DEAFNESS, AUTOSOMAL RECESSIVE 36, WITH VESTIBULAR INVOLVEMENT; Deafness, autosomal recessive 36. Identifiers: Orphanet 90636, MedGen C1837007, MONDO:0012170, OMIM 609006.

Submissions (3):

Labcorp Genetics (formerly Invitae), Labcorp
Classification: Uncertain significance. Last evaluated: 2021-04-08. Review status: criteria provided, single submitter. Criteria: Invitae Variant Classification Sherloc (09022015). Collection method: clinical testing. Allele origin: germline.
Comment: This variant, c.2339_2341del, results in the deletion of 1 amino acid(s) of the ESPN protein (p.Glu780del), but otherwise preserves the integrity of the reading frame. In summary, the available evidence is currently insufficient to determine the role of this variant in disease. Therefore, it has been classified as a Variant of Uncertain Significance. Experimental studies and prediction algorithms are not available or were not evaluated, and the functional significance of this variant is currently unknown. This variant has not been reported in the literature in individuals with ESPN-related conditions. This variant is not present in population databases (ExAC no frequency).

Victorian Clinical Genetics Services, Murdoch Childrens Research Institute
Classification: Uncertain significance for Autosomal recessive nonsyndromic hearing loss 36. Last evaluated: 2020-05-25. Review status: criteria provided, single submitter. Criteria: ACMG Guidelines, 2015. Collection method: clinical testing. Allele origin: germline.
Comment: Based on the classification scheme VCGS_Germline_v1.1.1, this variant is classified as 3B-VUS. Following criteria are met: 0102 - Loss-of-function is a known mechanism of disease for this gene. (N) 0106 - This gene is known to be associated with autosomal recessive disease. (N) 0214 - In-frame insertion/deletion fully contained in a repetitive region that has high conservation (exon 11 of 13). (P) 0251 - Variant is heterozygous. (N) 0301 - Variant is absent from gnomAD. (P) 0600 - Variant is located in an annotated domain or motif (Actin binding motif; PMID: 29572253). (N) 0705 - No comparable variants have previous evidence for pathogenicity. (N) 0807 - Variant has not previously been reported in a clinical context. (N) 0905 - No segregation evidence has been identified for this variant. (N) 1007 - No published functional evidence has been identified for this variant. (N) 1208 - Inheritance information for this variant is not currently available. (N)

Dr. Peter K. Rogan Lab, Western University
No classification provided (evidence only). Condition: Uterine corpus endometrial carcinoma. Review status: no classification provided. Collection method: in vitro. Allele origin: not applicable. Functional consequence: cryptic splice site. Not counted in ClinVar's aggregate classification.

Literature cited by the submitters: PubMed 29572253 (cited by Victorian Clinical Genetics Services, Murdoch Childrens Research Institute).

NM_031475.3(ESPN):c.2339_2341del

Gene: ESPN (espin; plus strand). Cytogenetic location: 1p36.31.
Variant type: Microsatellite.
Coding change: c.2339_2341del on transcript NM_031475.3 (MANE Select); coding-DNA positions 2339 to 2341, 3 bases deleted (AGG; older notation c.2339_2341delAGG).
Molecular consequence: splice acceptor variant.
Genome position (GRCh38, 1-based): chr1:6,457,197-6,457,199, AGG deleted; deleting any 3 consecutive bases within chr1:6,457,182-6,457,199 gives the same sequence; the c. name uses the placement nearest the transcript's 3' end. VCF-style (leftmost placement, unchanged base first): chr1-6457181-CAGG-C. GRCh37 (hg19) VCF-style: chr1-6517241-CAGG-C.
Other names: NC_000001.10:g.6517257_6517259del.
Identifiers: ClinVar variation 1443667 (VCV001443667.11), dbSNP rs1399633263, ClinGen allele CA415830436.